The following is an entry in ClinVar:

NM_001042492.3(NF1):c.1226T>A (p.Val409Glu)

Gene: NF1 (neurofibromin 1; plus strand). Cytogenetic location: 17q11.2.
Variant type: single nucleotide variant.
Coding change: c.1226T>A on transcript NM_001042492.3 (MANE Select); coding-DNA position 1226, T replaced by A.
Protein change: p.Val409Glu; replaces valine 409 with glutamic acid.
Molecular consequence: missense variant.
Genome position (GRCh38, 1-based): chr17:31,201,451, T>A. VCF-style: chr17-31201451-T-A. GRCh37 (hg19) VCF-style: chr17-29528469-T-A.
Other names: c.1226T>A, p.Val409Glu (NM_000267.4, NM_001128147.3); short protein forms V409E.
Identifiers: ClinVar variation 233396 (VCV000233396.8), dbSNP rs876660378, ClinGen allele CA10580217.
Genomic context (GRCh38, chr17:31,201,451, plus strand): 5'-TTTTTTTTCTTTTTCTATAGATCTGCCTGGCTCAGAATTCACCTTCTACATTTCACTATG[T>A]GCTGGTAAATTCACTCCATCGAATCATCACCAATGTAAGTCCAAAAGGTATTGCTAAATT-3'
Protein context (NP_001035957.1, residues 399-419): AQNSPSTFHY[Val409Glu]LVNSLHRIIT

ClinVar aggregate classification (germline): Uncertain significance. Review status: criteria provided, multiple submitters, no conflicts (2 of 4 stars). 3 submissions from 3 submitters: Uncertain significance (3). Last evaluated 2022-12-06.

Conditions:
Hereditary cancer-predisposing syndrome. Also called: Tumor predisposition; Hereditary Cancer Syndrome; Hereditary neoplastic syndrome; Neoplastic Syndromes, Hereditary. Identifiers: Orphanet 140162, MedGen C0027672, MeSH D009386, MONDO:0015356.
Neurofibromatosis, type 1 (NF1). Also called: VON RECKLINGHAUSEN DISEASE; NEUROFIBROMATOSIS, TYPE I, SOMATIC; Peripheral type neurofibromatosis; Neurofibromatosis, type I. Identifiers: Orphanet 636, MedGen C0027831, MONDO:0018975, OMIM 162200. Disease mechanism: loss of function.

Submissions (3):

GeneDx
Classification: Uncertain significance. Last evaluated: 2022-12-06. Review status: criteria provided, single submitter. Criteria: GeneDx Variant Classification Process June 2021. Collection method: clinical testing. Allele origin: germline. Affected: yes.
Comment: Not observed at significant frequency in large population cohorts (gnomAD); In silico analysis supports that this missense variant has a deleterious effect on protein structure/function; Has not been previously published as pathogenic or benign to our knowledge

Labcorp Genetics (formerly Invitae), Labcorp
Classification: Uncertain significance for Neurofibromatosis, type 1. Last evaluated: 2022-01-22. Review status: criteria provided, single submitter. Criteria: Invitae Variant Classification Sherloc (09022015). Collection method: clinical testing. Allele origin: germline.
Comment: ClinVar contains an entry for this variant (Variation ID: 233396). In summary, the available evidence is currently insufficient to determine the role of this variant in disease. Therefore, it has been classified as a Variant of Uncertain Significance. Advanced modeling of protein sequence and biophysical properties (such as structural, functional, and spatial information, amino acid conservation, physicochemical variation, residue mobility, and thermodynamic stability) performed at Invitae indicates that this missense variant is expected to disrupt NF1 protein function. This variant has not been reported in the literature in individuals affected with NF1-related conditions. This variant is not present in population databases (gnomAD no frequency). This sequence change replaces valine, which is neutral and non-polar, with glutamic acid, which is acidic and polar, at codon 409 of the NF1 protein (p.Val409Glu).

Ambry Genetics
Classification: Uncertain significance for Hereditary cancer-predisposing syndrome. Last evaluated: 2015-08-13. Review status: criteria provided, single submitter. Criteria: Ambry Autosomal Dominant and X-Linked criteria (10/2015). Collection method: clinical testing. Allele origin: germline. Observed: 1 variant allele.
Comment: Thep.V409Evariant (also known as c.1226T>A), located in codingexon11 of theNF1gene, results from a T to A substitution at nucleotide position 1226. Thevalineatcodon409 is replaced byglutamicacid, an amino acid with dissimilar properties. This variant was not reported inpopulation based cohorts in the following databases: Database of Single Nucleotide Polymorphisms (dbSNP), NHLBIExomeSequencing Project (ESP), and 1000 Genomes Project. In the ESP, this variant was not observed in 6497 samples (12994 alleles) with coverage at this position. To date, this alteration has been detected with an allele frequency of approximately 0.002% (greater than 55000 alleles tested) in our clinical cohort. This amino acid position is highly conserved in available vertebrate species. In addition, this alteration is predicted to be deleterious by in silico analysis. Since supporting evidence is limited at this time, the clinical significance of p.V409E remains unclear.